The following is an entry in ClinVar:

ClinVar aggregate classification (germline): Likely benign. Review status: criteria provided, multiple submitters, no conflicts (2 of 4 stars). 2 submissions from 2 submitters: Likely benign (2). Last evaluated 2026-01-26.

Conditions:
Mucopolysaccharidosis, MPS-III-A (MPS3A). Also called: HEPARAN SULFATE SULFATASE DEFICIENCY; SANFILIPPO SYNDROME A; SULFAMIDASE DEFICIENCY; MPS III A; MUCOPOLYSACCHARIDOSIS, TYPE IIIA, ATTENUATED; Mucopolysaccharidosis type IIIA (Sanfilippo A). Identifiers: Orphanet 581, Orphanet 79269, MedGen C0086647, MONDO:0009655, OMIM 252900.

gnomAD v4.1: 5 of 1,611,976 alleles (0.00031%); highest among the groups gnomAD compares: African/African-American, 0.0027%; no homozygotes.

Submissions (2):

Labcorp Genetics (formerly Invitae), Labcorp
Classification: Likely benign for Mucopolysaccharidosis, MPS-III-A. Last evaluated: 2026-01-26. Review status: criteria provided, single submitter. Criteria: Invitae Variant Classification Sherloc (09022015). Collection method: clinical testing. Allele origin: germline.

Mayo Clinic Laboratories, Mayo Clinic
Classification: Likely benign. Last evaluated: 2024-10-29. Review status: criteria provided, single submitter. Criteria: ACMG Guidelines, 2015. Collection method: clinical testing. Allele origin: germline. Observed: 1 variant allele.
Comment: BP4, BP7

NM_000199.5(SGSH):c.325C>T (p.Leu109=)

Gene: SGSH (N-sulfoglucosamine sulfohydrolase; minus strand). Cytogenetic location: 17q25.3.
Variant type: single nucleotide variant.
Coding change: c.325C>T on transcript NM_000199.5 (MANE Select); coding-DNA position 325, C replaced by T.
Protein change: p.Leu109=; no amino-acid change (leucine 109 retained).
Molecular consequence: synonymous variant.
Genome position (GRCh38, 1-based): chr17:80,215,063, G>A on the plus strand (C>T on the coding strand, the complement: SGSH is on the minus strand). VCF-style: chr17-80215063-G-A. GRCh37 (hg19) VCF-style: chr17-78188862-G-A.
Other names: p.Leu109=; c.325C>T, p.Leu109= (NM_001352921.3, NM_001352922.2).
Identifiers: ClinVar variation 4684260 (VCV004684260.2).